The following is an entry in ClinVar:

NM_002074.5(GNB1):c.97-2A>G

Gene: GNB1 (G protein subunit beta 1; minus strand). Cytogenetic location: 1p36.33.
Variant type: single nucleotide variant.
Coding change: c.97-2A>G on transcript NM_002074.5 (MANE Select); the canonical splice acceptor site of the intron before coding-DNA position 97, A replaced by G.
Molecular consequence: splice acceptor variant. On other transcripts: intron variant (1).
Genome position (GRCh38, 1-based): chr1:1,815,864, T>C on the plus strand (A>G on the coding strand, the complement: GNB1 is on the minus strand). VCF-style: chr1-1815864-T-C. GRCh37 (hg19) VCF-style: chr1-1747303-T-C.
Other names: c.97-2A>G (NM_001282539.2); c.-97-9326A>G (NM_001282538.2).
Identifiers: ClinVar variation 2631640 (VCV002631640.1), dbSNP rs2523141846, ClinGen allele CA337920052.
Genomic context (GRCh38, chr1:1,815,864, plus strand): 5'-CGCAGTGTCCTCCTCGTGCGCATTTGGATTCTTCCCACTGGGTCGATGTTGTTTGTGATC[T>C]TGAAAATAAAAACATTTCTGTAAATCAACATCTGTGATTAAACGATTCTCCTCATCACCC-3'

ClinVar aggregate classification (germline): Uncertain significance (1 of 4 stars; one submission).

Conditions:
GNB1-related disorder. Also called: GNB1-related condition.

Submission:

PreventionGenetics, part of Exact Sciences
Classification: Uncertain significance for GNB1-related condition. Last evaluated: 2023-08-04. Review status: criteria provided, single submitter. Criteria: ACMG Guidelines, 2015. Collection method: clinical testing. Allele origin: germline.
Comment: The GNB1 c.97-2A>G variant is predicted to disrupt the AG splice acceptor site and interfere with normal splicing. To our knowledge, this variant has not been reported in the literature or in a large population database, indicating this variant is rare. Canonical splice site variants, and other variants predicted to result in premature termination have been associated with disease; however, all reported examples resided downstream of this position (Lohmann et al. 2017. PubMed ID: 28087732 ). Although we suspect that this variant may be pathogenic, at this time, the clinical significance of this variant is uncertain due to the absence of conclusive functional and genetic evidence.